The following is an entry in ClinVar:

NM_213599.3(ANO5):c.181-18C>T

Gene: ANO5 (anoctamin 5; plus strand). Cytogenetic location: 11p14.3.
Variant type: single nucleotide variant.
Coding change: c.181-18C>T on transcript NM_213599.3 (MANE Select); 18 bases into the intron before coding-DNA position 181, C replaced by T.
Molecular consequence: intron variant.
Genome position (GRCh38, 1-based): chr11:22,221,079, C>T. VCF-style: chr11-22221079-C-T. GRCh37 (hg19) VCF-style: chr11-22242625-C-T.
Other names: c.178-18C>T (NM_001142649.2).
Identifiers: ClinVar variation 507273 (VCV000507273.5), dbSNP rs1350082012, ClinGen allele CA597910937.

ClinVar aggregate classification (germline): Likely benign. Review status: criteria provided, multiple submitters, no conflicts (2 of 4 stars). 3 submissions from 3 submitters: Likely benign (3). Last evaluated 2024-05-05.

Conditions:
Autosomal recessive limb-girdle muscular dystrophy type 2L (LGMDR12). Also called: Limb-Girdle Muscular Dystrophy R12 Anoctamin-5-Related (LGMD-R12); Limb-girdle muscular dystrophy, type 2L; MUSCULAR DYSTROPHY, LIMB-GIRDLE, AUTOSOMAL RECESSIVE 12. Identifiers: Orphanet 206549, MedGen C1969785, MONDO:0012652, OMIM 611307.
Gnathodiaphyseal dysplasia (GDD). Also called: GNATHODIAPHYSEAL SCLEROSIS; OSTEOGENESIS IMPERFECTA WITH UNUSUAL SKELETAL LESIONS. Identifiers: Orphanet 53697, MedGen C1833736, MONDO:0008151, OMIM 166260.

Allele frequency attached by ClinVar (database versions not stated): gnomAD exomes below 0.00001 and 0.00001.
gnomAD v4.1: 10 of 1,521,264 alleles (0.00066%); highest among the groups gnomAD compares: Non-Finnish European, 0.00091%; no homozygotes.

Submissions (3):

Labcorp Genetics (formerly Invitae), Labcorp
Classification: Likely benign for Autosomal recessive limb-girdle muscular dystrophy type 2L; Gnathodiaphyseal dysplasia. Last evaluated: 2024-05-05. Review status: criteria provided, single submitter. Criteria: Invitae Variant Classification Sherloc (09022015). Collection method: clinical testing. Allele origin: germline.

Blueprint Genetics
Classification: Likely benign. Last evaluated: 2020-01-07. Review status: criteria provided, single submitter. Criteria: ACMG Guidelines, 2015. Collection method: clinical testing. Allele origin: germline.

GeneDx
Classification: Likely benign. Last evaluated: 2017-02-06. Review status: criteria provided, single submitter. Criteria: GeneDx Variant Classification (06012015). Collection method: clinical testing. Allele origin: germline. Affected: yes.
Comment: This variant is considered likely benign or benign based on one or more of the following criteria: it is a conservative change, it occurs at a poorly conserved position in the protein, it is predicted to be benign by multiple in silico algorithms, and/or has population frequency not consistent with disease.